The following is an entry in ClinVar:

ClinVar aggregate classification (germline): Uncertain significance (1 of 4 stars; one submission).

Submission:

Labcorp Genetics (formerly Invitae), Labcorp
Classification: Uncertain significance. Last evaluated: 2026-02-01. Review status: criteria provided, single submitter. Criteria: Invitae Variant Classification Sherloc (09022015). Collection method: clinical testing. Allele origin: germline.
Comment: This sequence change replaces isoleucine, which is neutral and non-polar, with threonine, which is neutral and polar, at codon 397 of the THBD protein (p.Ile397Thr). This variant is not present in population databases (gnomAD no frequency). This variant has not been reported in the literature in individuals affected with THBD-related conditions. Invitae Evidence Modeling of protein sequence and biophysical properties (such as structural, functional, and spatial information, amino acid conservation, physicochemical variation, residue mobility, and thermodynamic stability) indicates that this missense variant is not expected to disrupt THBD protein function with a negative predictive value of 80%. In summary, the available evidence is currently insufficient to determine the role of this variant in disease. Therefore, it has been classified as a Variant of Uncertain Significance.

NM_000361.3(THBD):c.1190T>C (p.Ile397Thr)

Gene: THBD (thrombomodulin; minus strand). Cytogenetic location: 20p11.21.
Variant type: single nucleotide variant.
Coding change: c.1190T>C on transcript NM_000361.3 (MANE Select); coding-DNA position 1190, T replaced by C.
Protein change: p.Ile397Thr; replaces isoleucine 397 with threonine.
Molecular consequence: missense variant.
Genome position (GRCh38, 1-based): chr20:23,048,315, A>G on the plus strand (T>C on the coding strand, the complement: THBD is on the minus strand). VCF-style: chr20-23048315-A-G. GRCh37 (hg19) VCF-style: chr20-23028952-A-G.
Other names: short protein forms I397T.
Identifiers: ClinVar variation 4775012 (VCV004775012.1).